The following is an entry in ClinVar:

NM_014363.6(SACS):c.8300G>A (p.Gly2767Asp)

Gene: SACS (sacsin molecular chaperone; minus strand). Cytogenetic location: 13q12.12.
Variant type: single nucleotide variant.
Coding change: c.8300G>A on transcript NM_014363.6 (MANE Select); coding-DNA position 8300, G replaced by A.
Protein change: p.Gly2767Asp; replaces glycine 2767 with aspartic acid.
Molecular consequence: missense variant.
Genome position (GRCh38, 1-based): chr13:23,335,576, C>T on the plus strand (G>A on the coding strand, the complement: SACS is on the minus strand). VCF-style: chr13-23335576-C-T. GRCh37 (hg19) VCF-style: chr13-23909715-C-T.
Other names: c.7859G>A, p.Gly2620Asp (NM_001278055.2); c.8300G>A (NM_014363.5); short protein forms G2620D, G2767D.
Identifiers: ClinVar variation 1714765 (VCV001714765.6), dbSNP rs1868503980, ClinGen allele CA387516943.

ClinVar aggregate classification (germline): Uncertain significance. Review status: criteria provided, single submitter (1 of 4 stars). 2 submissions from 2 submitters: Uncertain significance (1). 1 of the submissions does not count toward it. Last evaluated 2025-10-22.

Conditions:
Charlevoix-Saguenay spastic ataxia (SACS). Also called: SPASTIC ATAXIA 6, AUTOSOMAL RECESSIVE; AUTOSOMAL RECESSIVE SPASTIC ATAXIA OF CHARLEVOIX-SAGUENAY; Spastic ataxia of Charlevoix-Saguenay. Identifiers: Orphanet 98, MedGen C1849140, MONDO:0010041, OMIM 270550.
Spastic paraplegia. Identifiers: MedGen C0037772, HP:0001258.

Allele frequency attached by ClinVar (database versions not stated): TOPMed below 0.00001; gnomAD 0.00001.

Submissions (2):

Labcorp Genetics (formerly Invitae), Labcorp
Classification: Uncertain significance for Spastic paraplegia. Last evaluated: 2025-10-22. Review status: criteria provided, single submitter. Criteria: Invitae Variant Classification Sherloc (09022015). Collection method: clinical testing. Allele origin: germline.
Comment: This sequence change replaces glycine, which is neutral and non-polar, with aspartic acid, which is acidic and polar, at codon 2767 of the SACS protein (p.Gly2767Asp). This variant is not present in population databases (gnomAD no frequency). This variant has not been reported in the literature in individuals affected with SACS-related conditions. ClinVar contains an entry for this variant (Variation ID: 1714765). Invitae Evidence Modeling of protein sequence and biophysical properties (such as structural, functional, and spatial information, amino acid conservation, physicochemical variation, residue mobility, and thermodynamic stability) indicates that this missense variant is not expected to disrupt SACS protein function with a negative predictive value of 95%. In summary, the available evidence is currently insufficient to determine the role of this variant in disease. Therefore, it has been classified as a Variant of Uncertain Significance.

Natera, Inc.
Classification: Uncertain significance for Charlevoix-Saguenay type spastic ataxia. Last evaluated: 2025-03-17. Review status: no assertion criteria provided. Collection method: clinical testing. Allele origin: germline. Not counted in ClinVar's aggregate classification.